The following is an entry in ClinVar:

ClinVar aggregate classification (germline): Likely benign (0 of 4 stars; one submission).

Conditions:
ALG3-related disorder. Also called: ALG3-related condition.

gnomAD v4.1: 6 of 1,563,766 alleles (0.00038%); highest among the groups gnomAD compares: Non-Finnish European, 0.00052%; no homozygotes.

Submission:

PreventionGenetics, part of Exact Sciences
Classification: Likely benign for ALG3-related condition. Last evaluated: 2020-03-13. Review status: no assertion criteria provided. Collection method: clinical testing. Allele origin: germline.
Comment: This variant is classified as likely benign based on ACMG/AMP sequence variant interpretation guidelines (Richards et al. 2015 PMID: 25741868, with internal and published modifications).

NM_005787.6(ALG3):c.186C>T (p.His62=)

Gene: ALG3 (ALG3 alpha-1,3- mannosyltransferase; minus strand). Cytogenetic location: 3q27.1.
Variant type: single nucleotide variant.
Coding change: c.186C>T on transcript NM_005787.6 (MANE Select); coding-DNA position 186, C replaced by T.
Protein change: p.His62=; no amino-acid change (histidine 62 retained).
Molecular consequence: synonymous variant. On other transcripts: non-coding transcript variant (1), intron variant (1).
Genome position (GRCh38, 1-based): chr3:184,248,755, G>A on the plus strand (C>T on the coding strand, the complement: ALG3 is on the minus strand). VCF-style: chr3-184248755-G-A. GRCh37 (hg19) VCF-style: chr3-183966543-G-A.
Other names: c.52+471C>T (NM_001006941.2).
Identifiers: ClinVar variation 3047002 (VCV003047002.2), dbSNP rs1302268373, ClinGen allele CA437327433.